The following is an entry in ClinVar:

ClinVar aggregate classification (germline): Uncertain significance (1 of 4 stars; one submission).

Conditions:
Cardiovascular phenotype. Identifiers: MedGen CN230736.

gnomAD v4.1: 6 of 1,613,572 alleles (0.00037%); highest among the groups gnomAD compares: Non-Finnish European, 0.00051%; no homozygotes.

Submission:

Ambry Genetics
Classification: Uncertain significance for Cardiovascular phenotype. Last evaluated: 2021-02-09. Review status: criteria provided, single submitter. Criteria: Ambry Variant Classification Scheme 2023. Collection method: clinical testing. Allele origin: germline.
Comment: The p.P327S variant (also known as c.979C>T), located in coding exon 10 of the CACNB2 gene, results from a C to T substitution at nucleotide position 979. The proline at codon 327 is replaced by serine, an amino acid with similar properties. This amino acid position is highly conserved in available vertebrate species. In addition, this alteration is predicted to be deleterious by in silico analysis. Since supporting evidence is limited at this time, the clinical significance of this alteration remains unclear.

NM_201596.3(CACNB2):c.1141C>T (p.Pro381Ser)

Gene: CACNB2 (calcium voltage-gated channel auxiliary subunit beta 2; plus strand). Cytogenetic location: 10p12.31.
Variant type: single nucleotide variant.
Coding change: c.1141C>T on transcript NM_201596.3 (MANE Select); coding-DNA position 1141, C replaced by T.
Protein change: p.Pro381Ser; replaces proline 381 with serine.
Molecular consequence: missense variant.
Genome position (GRCh38, 1-based): chr10:18,534,162, C>T. VCF-style: chr10-18534162-C-T. GRCh37 (hg19) VCF-style: chr10-18823091-C-T.
Other names: c.976C>T, p.Pro326Ser (NM_000724.4); c.943C>T, p.Pro315Ser (NM_001167945.2); c.862C>T, p.Pro288Ser (NM_001330060.2); c.883C>T, p.Pro295Ser (NM_001410882.1); c.997C>T, p.Pro333Ser (NM_201570.3); c.1057C>T, p.Pro353Ser (NM_201571.4); c.985C>T, p.Pro329Ser (NM_201572.4); c.979C>T, p.Pro327Ser (NM_201590.3); and 2 more; short protein forms P357S, P288S, P295S, P329S, P381S, P327S, P333S, P315S.
Identifiers: ClinVar variation 1768224 (VCV001768224.2), dbSNP rs2494778626, ClinGen allele CA376067916.